The following is an entry in ClinVar:

NM_002618.4(PEX13):c.1034C>G (p.Ser345Ter)

Gene: PEX13 (peroxisomal biogenesis factor 13; plus strand). Cytogenetic location: 2p15.
Variant type: single nucleotide variant.
Coding change: c.1034C>G on transcript NM_002618.4 (MANE Select); coding-DNA position 1034, C replaced by G.
Protein change: p.Ser345Ter; replaces serine 345 with a stop codon.
Molecular consequence: nonsense.
Genome position (GRCh38, 1-based): chr2:61,048,592, C>G. VCF-style: chr2-61048592-C-G. GRCh37 (hg19) VCF-style: chr2-61275727-C-G.
Other names: short protein forms S345*.
Identifiers: ClinVar variation 5006315 (VCV005006315.2).
Genomic context (GRCh38, chr2:61,048,592, plus strand): 5'-TTATACCTGCGAATTATGTCAAAATTCTTGGCAAAAGAAAAGGTAGGAAAACGGTGGAAT[C>G]AAGTAAAGTTTCCAAGCAGCAACAATCTTTTACCAACCCAACACTAACTAAAGGAGCCAC-3'

ClinVar aggregate classification (germline): Uncertain significance (1 of 4 stars; one submission).

Conditions:
Peroxisome biogenesis disorder 11B (PBD11B). Identifiers: Orphanet 44, MedGen C3554001, MONDO:0013950, OMIM 614885.
Peroxisome biogenesis disorder 11A (Zellweger). Also called: Peroxisome biogenesis disorder 11A. Identifiers: Orphanet 912, MedGen C3554000, MONDO:0013949, OMIM 614883.

gnomAD v4.1: 4 of 1,614,100 alleles (0.00025%); highest among the groups gnomAD compares: East Asian, 0.0067%; no homozygotes.

Submission:

Juno Genomics, Hangzhou Juno Genomics, Inc
Classification: Uncertain significance for Peroxisome biogenesis disorder 11A (Zellweger); Peroxisome biogenesis disorder 11B. Review status: criteria provided, single submitter. Criteria: ACMG Guidelines, 2015. Collection method: clinical testing. Allele origin: germline.
Comment: Null variant in a gene where loss of function (LOF) is a known mechanism of disease.;Absent from controls (or at extremely low frequency if recessive) in Genome Aggregation Database.